The following is an entry in ClinVar:

ClinVar aggregate classification (germline): Uncertain significance. Review status: criteria provided, multiple submitters, no conflicts (2 of 4 stars). 2 submissions from 2 submitters: Uncertain significance (2). Last evaluated 2024-06-11.

Submissions (2):

Labcorp Genetics (formerly Invitae), Labcorp
Classification: Uncertain significance. Last evaluated: 2024-06-11. Review status: criteria provided, single submitter. Criteria: Invitae Variant Classification Sherloc (09022015). Collection method: clinical testing. Allele origin: germline.
Comment: This sequence change replaces glutamine, which is neutral and polar, with arginine, which is basic and polar, at codon 11 of the TUBB4B protein (p.Gln11Arg). This variant is not present in population databases (gnomAD no frequency). This missense change has been observed in individual(s) with TUBB4B-related conditions (PMID: 37448631). Advanced modeling of protein sequence and biophysical properties (such as structural, functional, and spatial information, amino acid conservation, physicochemical variation, residue mobility, and thermodynamic stability) performed at Invitae indicates that this missense variant is not expected to disrupt TUBB4B protein function with a negative predictive value of 80%. In summary, the available evidence is currently insufficient to determine the role of this variant in disease. Therefore, it has been classified as a Variant of Uncertain Significance.

Blueprint Genetics
Classification: Uncertain significance. Last evaluated: 2023-06-02. Review status: criteria provided, single submitter. Criteria: ACMG Guidelines, 2015. Collection method: clinical testing. Allele origin: germline.

Literature cited by the submitters: PubMed 37448631 (cited by Labcorp Genetics (formerly Invitae), Labcorp).

NM_006088.6(TUBB4B):c.32A>G (p.Gln11Arg)

Gene: TUBB4B (tubulin beta 4B class IVb; plus strand). Cytogenetic location: 9q34.3.
Variant type: single nucleotide variant.
Coding change: c.32A>G on transcript NM_006088.6 (MANE Select); coding-DNA position 32, A replaced by G.
Protein change: p.Gln11Arg; replaces glutamine 11 with arginine.
Molecular consequence: missense variant.
Genome position (GRCh38, 1-based): chr9:137,241,392, A>G. VCF-style: chr9-137241392-A-G. GRCh37 (hg19) VCF-style: chr9-140135844-A-G.
Other names: short protein forms Q11R.
Identifiers: ClinVar variation 3656265 (VCV003656265.3).